The following is an entry in ClinVar:

NM_153026.3(PRICKLE1):c.1799C>T (p.Ser600Leu)

Gene: PRICKLE1 (prickle planar cell polarity protein 1; minus strand). Cytogenetic location: 12q12.
Variant type: single nucleotide variant.
Coding change: c.1799C>T on transcript NM_153026.3 (MANE Select); coding-DNA position 1799, C replaced by T.
Protein change: p.Ser600Leu; replaces serine 600 with leucine.
Molecular consequence: missense variant.
Genome position (GRCh38, 1-based): chr12:42,460,506, G>A on the plus strand (C>T on the coding strand, the complement: PRICKLE1 is on the minus strand). VCF-style: chr12-42460506-G-A. GRCh37 (hg19) VCF-style: chr12-42854308-G-A.
Other names: c.1799C>T, p.Ser600Leu (NM_001144881.2, NM_001144882.2, NM_001144883.2); short protein forms S600L.
Identifiers: ClinVar variation 2177901 (VCV002177901.2), dbSNP rs1051937466, ClinGen allele CA235488711.

ClinVar aggregate classification (germline): Uncertain significance (1 of 4 stars; one submission).

Conditions:
Epilepsy, progressive myoclonic, 1B. Also called: PME. Identifiers: Orphanet 308, MedGen C2676254, MONDO:0012904, OMIM 612437.

Allele frequency attached by ClinVar (database versions not stated): TOPMed below 0.00001; gnomAD exomes 0.00001.

Submission:

Labcorp Genetics (formerly Invitae), Labcorp
Classification: Uncertain significance for Epilepsy, progressive myoclonic, 1B. Last evaluated: 2022-01-23. Review status: criteria provided, single submitter. Criteria: Invitae Variant Classification Sherloc (09022015). Collection method: clinical testing. Allele origin: germline.
Comment: In summary, the available evidence is currently insufficient to determine the role of this variant in disease. Therefore, it has been classified as a Variant of Uncertain Significance. Algorithms developed to predict the effect of missense changes on protein structure and function (SIFT, PolyPhen-2, Align-GVGD) all suggest that this variant is likely to be disruptive. This variant has not been reported in the literature in individuals affected with PRICKLE1-related conditions. This variant is present in population databases (no rsID available, gnomAD 0.0009%). This sequence change replaces serine, which is neutral and polar, with leucine, which is neutral and non-polar, at codon 600 of the PRICKLE1 protein (p.Ser600Leu).